The following is an entry in ClinVar:

ClinVar aggregate classification (germline): Benign/Likely benign. Review status: criteria provided, multiple submitters, no conflicts (2 of 4 stars). 15 submissions from 15 submitters: Benign (6); Likely benign (8). 1 of the submissions does not count toward it. Last evaluated 2026-02-02.

Conditions:
Intrauterine growth retardation, metaphyseal dysplasia, adrenal hypoplasia congenita, genital anomalies, and immunodeficiency. Also called: IMAGEI SYNDROME. Identifiers: MedGen C5193036, MONDO:0032684, OMIM 618336.
Facial dysmorphism-immunodeficiency-livedo-short stature syndrome. Also called: FILS syndrome; Facial dysmorphism, immunodeficiency, livedo, and short stature. Identifiers: Orphanet 352712, MedGen C3554576, MONDO:0014058, OMIM 615139.
Colorectal cancer, susceptibility to, 12 (CRCS12). Also called: COLORECTAL CANCER, SUSCEPTIBILITY TO, ON CHROMOSOME 12q24. Identifiers: Orphanet 220460, MedGen C3554460, MONDO:0014038, OMIM 615083.
Hereditary cancer-predisposing syndrome. Also called: Tumor predisposition; Hereditary Cancer Syndrome; Neoplastic Syndromes, Hereditary; Hereditary neoplastic syndrome. Identifiers: Orphanet 140162, MedGen C0027672, MeSH D009386, MONDO:0015356.
Carcinoma of colon (CRC). Also called: Colonic carcinoma; Colon carcinoma. Identifiers: MedGen C0699790, MONDO:0002032.

Allele frequency attached by ClinVar (database versions not stated): gnomAD exomes 0.00016 and 0.00033; ExAC 0.00040; ESP Exome Variant Server 0.00138; gnomAD 0.00140 and 0.00149; TOPMed 0.00165; 1000 Genomes Project 0.00180; 1000 Genomes Project 30x 0.00219.

Submissions (15):

Labcorp Genetics (formerly Invitae), Labcorp
Classification: Benign. Last evaluated: 2026-02-02. Review status: criteria provided, single submitter. Criteria: Invitae Variant Classification Sherloc (09022015). Collection method: clinical testing. Allele origin: germline.

CeGaT Center for Human Genetics Tuebingen
Classification: Likely benign. Last evaluated: 2025-04-01. Review status: criteria provided, single submitter. Criteria: CeGaT Center For Human Genetics Tuebingen Variant Classification Criteria Version 2. Collection method: clinical testing. Allele origin: germline. Affected: yes. Observed: 1 variant allele.
Comment: POLE: BP4, BP7

Center for Genomic Medicine, Rigshospitalet, Copenhagen University Hospital
Classification: Benign. Last evaluated: 2025-03-04. Review status: criteria provided, single submitter. Criteria: ACMG Guidelines, 2015. Collection method: clinical testing. Allele origin: germline.

Blueprint Genetics
Classification: Likely benign. Last evaluated: 2023-11-06. Review status: criteria provided, single submitter. Criteria: ACMG Guidelines, 2015. Collection method: clinical testing. Allele origin: germline.

KCCC/NGS Laboratory, Kuwait Cancer Control Center
Classification: Benign for Colorectal cancer, susceptibility to, 12. Last evaluated: 2023-07-07. Review status: criteria provided, single submitter. Criteria: ACMG Guidelines, 2015. Collection method: clinical testing. Allele origin: germline. Affected: yes.

Women's Health and Genetics/Laboratory Corporation of America, LabCorp
Classification: Benign. Last evaluated: 2022-09-25. Review status: criteria provided, single submitter. Criteria: LabCorp Variant Classification Summary - May 2015. Collection method: clinical testing. Allele origin: germline.

Fulgent Genetics
Classification: Likely benign for Colorectal cancer, susceptibility to, 12; Facial dysmorphism-immunodeficiency-livedo-short stature syndrome; Intrauterine growth retardation, metaphyseal dysplasia, adrenal hypoplasia congenita, genital anomalies, and immunodeficiency. Last evaluated: 2022-04-14. Review status: criteria provided, single submitter. Criteria: ACMG Guidelines, 2015. Collection method: clinical testing. Allele origin: unknown.

Sema4
Classification: Likely benign for Hereditary cancer-predisposing syndrome. Last evaluated: 2021-08-04. Review status: criteria provided, single submitter. Criteria: Sema4 Curation Guidelines. Collection method: curation. Allele origin: germline.

GeneDx
Classification: Likely benign. Last evaluated: 2021-05-10. Review status: criteria provided, single submitter. Criteria: GeneDx Variant Classification (06012015). Collection method: clinical testing. Allele origin: germline. Affected: yes.

Genetic Services Laboratory, University of Chicago
Classification: Likely benign. Last evaluated: 2019-01-30. Review status: criteria provided, single submitter. Criteria: ACMG Guidelines, 2015. Collection method: clinical testing. Allele origin: germline. Affected: no.

Quest Diagnostics Nichols Institute San Juan Capistrano
Classification: Benign. Last evaluated: 2018-04-17. Review status: criteria provided, single submitter. Criteria: Quest Diagnostics criteria. Collection method: clinical testing. Allele origin: unknown.

PreventionGenetics, part of Exact Sciences
Classification: Benign. Last evaluated: 2018-01-12. Review status: criteria provided, single submitter. Criteria: ACMG Guidelines, 2015. Collection method: clinical testing. Allele origin: germline.

Ambry Genetics
Classification: Likely benign for Hereditary cancer-predisposing syndrome. Last evaluated: 2015-07-07. Review status: criteria provided, single submitter. Criteria: Ambry Variant Classification Scheme 2023. Collection method: clinical testing. Allele origin: germline.

Breakthrough Genomics
Classification: Likely benign. Review status: criteria provided, single submitter. Criteria: ACMG Guidelines, 2015. Collection method: not provided. Allele origin: germline. Inheritance: Autosomal recessive inheritance. Affected: yes.

Department of Pathology and Laboratory Medicine, Sinai Health System
Classification: Likely benign for Carcinoma of colon. Review status: no assertion criteria provided. Collection method: clinical testing. Allele origin: unknown. Affected: yes. Study: The Canadian Open Genetics Repository (COGR). Not counted in ClinVar's aggregate classification.
Comment: The POLE p.Phe1708= variant was not identified in the literature. The variant was identified in dbSNP (ID: rs114891564) as "With Likely benign allele", in ClinVar (classified 3x as likely benign by GeneDx, Ambry Genetics and one other submitter, 3x benign by Invitae and two other submitters). It was also identified in control databases in 122 of 272712 chromosomes at a frequency of 0.0004 increasing the likelihood this could be a low frequency benign variant (Genome Aggregation Database Feb 27, 2017). The variant was observed in the following populations: African in 116 of 23992 chromosomes (freq: 0.005), Latino in 2 of 33848 chromosomes (freq: 0.00006), European in 2 of 124612 chromosomes (freq: 0.00002), and South Asian in 2 of 29800 chromosomes (freq: 0.00007), while the variant was not observed in the Other, Ashkenazi Jewish, East Asian or Finnish populations. The p.Phe1708= variant is not expected to have clinical significance because it does not result in a change of amino acid and is not located in a known consensus splice site. In addition, in silico or computational prediction software programs (SpliceSiteFinder, MaxEntScan, NNSPLICE, GeneSplicer) do not predict a difference in splicing. In summary, based on the above information the clinical significance of this variant cannot be determined with certainty at this time although we would lean towards a more benign role for this variant. This variant is classified as likely benign.

NM_006231.4(POLE):c.5124C>T (p.Phe1708=)

Gene: POLE (DNA polymerase epsilon, catalytic subunit; minus strand). Cytogenetic location: 12q24.33.
Variant type: single nucleotide variant.
Coding change: c.5124C>T on transcript NM_006231.4 (MANE Select); coding-DNA position 5124, C replaced by T.
Protein change: p.Phe1708=; no amino-acid change (phenylalanine 1708 retained).
Molecular consequence: synonymous variant.
Genome position (GRCh38, 1-based): chr12:132,642,226, G>A on the plus strand (C>T on the coding strand, the complement: POLE is on the minus strand). VCF-style: chr12-132642226-G-A. GRCh37 (hg19) VCF-style: chr12-133218812-G-A.
Identifiers: ClinVar variation 240550 (VCV000240550.41), dbSNP rs114891564, ClinGen allele CA6892624.